The following is an entry in ClinVar:

NM_153610.5(CMYA5):c.10851G>A (p.Lys3617=)

Gene: CMYA5 (cardiomyopathy associated 5; plus strand). Cytogenetic location: 5q14.1.
Variant type: single nucleotide variant.
Coding change: c.10851G>A on transcript NM_153610.5 (MANE Select); coding-DNA position 10851, G replaced by A.
Protein change: p.Lys3617=; no amino-acid change (lysine 3617 retained).
Molecular consequence: synonymous variant.
Genome position (GRCh38, 1-based): chr5:79,745,338, G>A. VCF-style: chr5-79745338-G-A. GRCh37 (hg19) VCF-style: chr5-79041161-G-A.
Identifiers: ClinVar variation 775074 (VCV000775074.28), dbSNP rs140350207, ClinGen allele CA3323046.

ClinVar aggregate classification (germline): Benign/Likely benign. Review status: criteria provided, multiple submitters, no conflicts (2 of 4 stars). 2 submissions from 2 submitters: Benign (1); Likely benign (1). Last evaluated 2025-06-01.

Allele frequency attached by ClinVar (database versions not stated): 1000 Genomes Project 30x 0.00328; 1000 Genomes Project 0.00359; TOPMed 0.00502; gnomAD 0.00514 and 0.00525; ESP Exome Variant Server 0.00610; gnomAD exomes 0.00622 and 0.00862; ExAC 0.00656.
gnomAD v4.1: 13,435 of 1,613,914 alleles (0.83%); highest among the groups gnomAD compares: Non-Finnish European, 0.98%; 78 homozygotes.

Submissions (2):

CeGaT Center for Human Genetics Tuebingen
Classification: Likely benign. Last evaluated: 2025-06-01. Review status: criteria provided, single submitter. Criteria: CeGaT Center For Human Genetics Tuebingen Variant Classification Criteria Version 2. Collection method: clinical testing. Allele origin: germline. Affected: yes. Observed: 3 variant alleles.
Comment: CMYA5: BP4, BP7, BS2

Labcorp Genetics (formerly Invitae), Labcorp
Classification: Benign. Last evaluated: 2019-12-31. Review status: criteria provided, single submitter. Criteria: Invitae Variant Classification Sherloc (09022015). Collection method: clinical testing. Allele origin: germline.